The following is an entry in ClinVar:

NM_001939.3(DRP2):c.541C>A (p.Pro181Thr)

Gene: DRP2 (dystrophin related protein 2; plus strand). Cytogenetic location: Xq22.1.
Variant type: single nucleotide variant.
Coding change: c.541C>A on transcript NM_001939.3 (MANE Select); coding-DNA position 541, C replaced by A.
Protein change: p.Pro181Thr; replaces proline 181 with threonine.
Molecular consequence: missense variant.
Genome position (GRCh38, 1-based): chrX:101,239,083, C>A. VCF-style: chrX-101239083-C-A. GRCh37 (hg19) VCF-style: chrX-100494072-C-A.
Other names: c.307C>A, p.Pro103Thr (NM_001171184.2); short protein forms P181T, P103T.
Identifiers: ClinVar variation 2814376 (VCV002814376.3), dbSNP rs2523064467, ClinGen allele CA413915015.

ClinVar aggregate classification (germline): Uncertain significance (1 of 4 stars; one submission).

gnomAD v4.1: 1 of 1,210,205 alleles (0.000083%); highest among the groups gnomAD compares: East Asian, 0.003%; no homozygotes.

Submission:

Labcorp Genetics (formerly Invitae), Labcorp
Classification: Uncertain significance. Last evaluated: 2022-11-15. Review status: criteria provided, single submitter. Criteria: Invitae Variant Classification Sherloc (09022015). Collection method: clinical testing. Allele origin: germline.
Comment: In summary, the available evidence is currently insufficient to determine the role of this variant in disease. Therefore, it has been classified as a Variant of Uncertain Significance. Algorithms developed to predict the effect of missense changes on protein structure and function (SIFT, PolyPhen-2, Align-GVGD) all suggest that this variant is likely to be tolerated. This variant has not been reported in the literature in individuals affected with DRP2-related conditions. This variant is not present in population databases (gnomAD no frequency). This sequence change replaces proline, which is neutral and non-polar, with threonine, which is neutral and polar, at codon 181 of the DRP2 protein (p.Pro181Thr).